The following is an entry in ClinVar:

ClinVar aggregate classification (germline): Pathogenic (0 of 4 stars; one submission).

Conditions:
Insulin-resistant diabetes mellitus AND acanthosis nigricans. Also called: DIABETES MELLITUS, INSULIN-RESISTANT, WITH ACANTHOSIS NIGRICANS, TYPE A; INSULIN RECEPTOR, DEFECT IN, WITH INSULIN-RESISTANT DIABETES MELLITUS AND ACANTHOSIS NIGRICANS; IRAN, TYPE A; type A insulin resistance; Insulin-resistance syndrome type A. Identifiers: Orphanet 2297, MedGen C0342278, MONDO:0012520, OMIM 610549.

Submission:

Medical Research Institute, Tokyo Medical and Dental University
Classification: Pathogenic for Insulin-resistant diabetes mellitus AND acanthosis nigricans. Last evaluated: 2014-06-02. Review status: no assertion criteria provided. Collection method: research. Allele origin: germline. Affected: yes. Observed: 1 variant allele.
Comment: This mutation was confirmed compound heterozygosity.

Sanger sequencing.

Literature cited by the submitters: PubMed 28765322.

NM_000208.2:c.[1465A>G;3160G>A]

Variant type: Haplotype.
Identifiers: ClinVar variation 377384 (VCV000377384.2).